The following is an entry in ClinVar:

ClinVar aggregate classification (germline): Uncertain significance (1 of 4 stars; one submission).

Submission:

Labcorp Genetics (formerly Invitae), Labcorp
Classification: Uncertain significance. Last evaluated: 2023-05-11. Review status: criteria provided, single submitter. Criteria: Invitae Variant Classification Sherloc (09022015). Collection method: clinical testing. Allele origin: germline.
Comment: This variant has not been reported in the literature in individuals affected with MAST1-related conditions. In summary, the available evidence is currently insufficient to determine the role of this variant in disease. Therefore, it has been classified as a Variant of Uncertain Significance. An algorithm developed to predict the effect of missense changes on protein structure and function (PolyPhen-2) suggests that this variant is likely to be tolerated. This variant is not present in population databases (gnomAD no frequency). This sequence change replaces aspartic acid, which is acidic and polar, with glutamic acid, which is acidic and polar, at codon 355 of the MAST1 protein (p.Asp355Glu).

NM_014975.3(MAST1):c.1065C>A (p.Asp355Glu)

Gene: MAST1 (microtubule associated serine/threonine kinase 1; plus strand). Cytogenetic location: 19p13.13.
Variant type: single nucleotide variant.
Coding change: c.1065C>A on transcript NM_014975.3 (MANE Select); coding-DNA position 1065, C replaced by A.
Protein change: p.Asp355Glu; replaces aspartic acid 355 with glutamic acid.
Molecular consequence: missense variant.
Genome position (GRCh38, 1-based): chr19:12,852,383, C>A. VCF-style: chr19-12852383-C-A. GRCh37 (hg19) VCF-style: chr19-12963197-C-A.
Other names: short protein forms D355E.
Identifiers: ClinVar variation 2856378 (VCV002856378.3), dbSNP rs748781097, ClinGen allele CA404265873.